The following is an entry in ClinVar:

ClinVar aggregate classification (germline): Uncertain significance (0 of 4 stars; one submission).

Conditions:
SOS2-related disorder. Also called: SOS2-related condition.

gnomAD v4.1: 2 of 1,577,508 alleles (0.00013%); highest among the groups gnomAD compares: Non-Finnish European, 0.00017%; no homozygotes.

Submission:

PreventionGenetics, part of Exact Sciences
Classification: Uncertain significance for SOS2-related condition. Last evaluated: 2024-07-17. Review status: no assertion criteria provided. Collection method: clinical testing. Allele origin: germline.
Comment: The SOS2 c.2385G>A is a noncoding alteration. This variant is predicted to alter splicing based on available splicing prediction programs (SpliceAI, Jaganathan et al. 2019. PubMed ID: 30661751). However, the use of computer prediction programs is not equivalent to functional evidence. To our knowledge, this variant has not been reported in the literature or in a large population database, indicating this variant is rare. At this time, the clinical significance of this variant is uncertain due to the absence of conclusive functional and genetic evidence.

NM_006939.4(SOS2):c.2385G>A (p.Arg795=)

Gene: SOS2 (SOS Ras/Rho guanine nucleotide exchange factor 2; minus strand). Cytogenetic location: 14q21.3.
Variant type: single nucleotide variant.
Coding change: c.2385G>A on transcript NM_006939.4 (MANE Select); coding-DNA position 2385, G replaced by A.
Protein change: p.Arg795=; no amino-acid change (arginine 795 retained).
Molecular consequence: synonymous variant.
Genome position (GRCh38, 1-based): chr14:50,145,596, C>T on the plus strand (G>A on the coding strand, the complement: SOS2 is on the minus strand). VCF-style: chr14-50145596-C-T. GRCh37 (hg19) VCF-style: chr14-50612314-C-T.
Other names: c.2286G>A, p.Arg762= (NM_001411020.1).
Identifiers: ClinVar variation 3346663 (VCV003346663.1).